The following is an entry in ClinVar:

NM_001211.6(BUB1B):c.257A>G (p.Glu86Gly)

Gene: BUB1B (BUB1 mitotic checkpoint serine/threonine kinase B; plus strand). Cytogenetic location: 15q15.1.
Variant type: single nucleotide variant.
Coding change: c.257A>G on transcript NM_001211.6 (MANE Select); coding-DNA position 257, A replaced by G.
Protein change: p.Glu86Gly; replaces glutamic acid 86 with glycine.
Molecular consequence: missense variant.
Genome position (GRCh38, 1-based): chr15:40,170,554, A>G. VCF-style: chr15-40170554-A-G. GRCh37 (hg19) VCF-style: chr15-40462755-A-G.
Other names: short protein forms E86G.
Identifiers: ClinVar variation 4216943 (VCV004216943.1).

ClinVar aggregate classification (germline): Uncertain significance (1 of 4 stars; one submission).

Conditions:
Inborn genetic diseases. Identifiers: MedGen C0950123, MeSH D030342.

Submission:

Ambry Genetics
Classification: Uncertain significance for Inborn genetic diseases. Last evaluated: 2025-07-10. Review status: criteria provided, single submitter. Criteria: Ambry Variant Classification Scheme 2023. Collection method: clinical testing. Allele origin: germline.
Comment: The p.E86G variant (also known as c.257A>G), located in coding exon 4 of the BUB1B gene, results from an A to G substitution at nucleotide position 257. The glutamic acid at codon 86 is replaced by glycine, an amino acid with similar properties. This amino acid position is conserved. In addition, this alteration is predicted to be deleterious by in silico analysis. Based on the available evidence, the clinical significance of this variant remains unclear.